The following is an entry in ClinVar:

NM_004366.6(CLCN2):c.2144-5C>T

Gene: CLCN2 (chloride voltage-gated channel 2; minus strand). Cytogenetic location: 3q27.1.
Variant type: single nucleotide variant.
Coding change: c.2144-5C>T on transcript NM_004366.6 (MANE Select); 5 bases into the intron before coding-DNA position 2144, C replaced by T.
Molecular consequence: intron variant.
Genome position (GRCh38, 1-based): chr3:184,352,815, G>A on the plus strand (C>T on the coding strand, the complement: CLCN2 is on the minus strand). VCF-style: chr3-184352815-G-A. GRCh37 (hg19) VCF-style: chr3-184070603-G-A.
Other names: p.?; c.2012-5C>T (NM_001171088.3); c.2093-5C>T (NM_001171087.3); c.2144-5C>T (NM_001171089.3).
Identifiers: ClinVar variation 707573 (VCV000707573.14), dbSNP rs149777473, ClinGen allele CA2733824.

ClinVar aggregate classification (germline): Benign/Likely benign. Review status: criteria provided, multiple submitters, no conflicts (2 of 4 stars). 4 submissions from 4 submitters: Benign (1); Likely benign (3). Last evaluated 2026-01-01.

Allele frequency attached by ClinVar (database versions not stated): gnomAD exomes 0.00021 and 0.00050; ExAC 0.00057; 1000 Genomes Project 0.00160; gnomAD 0.00171 and 0.00185; 1000 Genomes Project 30x 0.00187; TOPMed 0.00187; ESP Exome Variant Server 0.00238.
gnomAD v4.1: 567 of 1,613,188 alleles (0.035%); highest among the groups gnomAD compares: African/African-American, 0.71%; 3 homozygotes.

Submissions (4):

CeGaT Center for Human Genetics Tuebingen
Classification: Likely benign. Last evaluated: 2026-01-01. Review status: criteria provided, single submitter. Criteria: CeGaT Center For Human Genetics Tuebingen Variant Classification Criteria Version 2. Collection method: clinical testing. Allele origin: germline. Affected: yes. Observed: 1 variant allele.
Comment: CLCN2: BP4

Labcorp Genetics (formerly Invitae), Labcorp
Classification: Benign. Last evaluated: 2025-09-02. Review status: criteria provided, single submitter. Criteria: Invitae Variant Classification Sherloc (09022015). Collection method: clinical testing. Allele origin: germline.

Mayo Clinic Laboratories, Mayo Clinic
Classification: Likely benign. Last evaluated: 2025-06-04. Review status: criteria provided, single submitter. Criteria: ACMG Guidelines, 2015. Collection method: clinical testing. Allele origin: germline. Observed: 1 variant allele.
Comment: BS1, BP4, BP7

Blueprint Genetics
Classification: Likely benign. Last evaluated: 2024-03-07. Review status: criteria provided, single submitter. Criteria: ACMG Guidelines, 2015. Collection method: clinical testing. Allele origin: germline.